The following is an entry in ClinVar:

ClinVar aggregate classification (germline): Uncertain significance (1 of 4 stars; one submission).

Submission:

GeneDx
Classification: Uncertain significance. Last evaluated: 2017-01-30. Review status: criteria provided, single submitter. Criteria: GeneDx Variant Classification (06012015). Collection method: clinical testing. Allele origin: germline. Affected: yes.
Comment: The P259S variant has not been published as a pathogenic variant, nor has it been reported as a benign variant to our knowledge. However, the variant was not observed in approximately 6,500 individuals of European and African American ancestry in the NHLBI Exome Sequencing Project, indicating it is not a common benign variant in these populations. P259S is a non-conservative amino acid substitution, which is likely to impact secondary protein structure as these residues differ in polarity, charge, size and/or other properties. This substitution occurs at a position that is conserved across species, and in silico analysis predicts this variant is probably damaging to the protein structure/function. Therefore, based on the currently available information, it is unclear whether this variant is a pathogenic variant or a rare benign variant.

NM_001059.3(TACR3):c.775C>T (p.Pro259Ser)

Gene: TACR3 (tachykinin receptor 3; minus strand). Cytogenetic location: 4q24.
Variant type: single nucleotide variant.
Coding change: c.775C>T on transcript NM_001059.3 (MANE Select); coding-DNA position 775, C replaced by T.
Protein change: p.Pro259Ser; replaces proline 259 with serine.
Molecular consequence: missense variant.
Genome position (GRCh38, 1-based): chr4:103,656,307, G>A on the plus strand (C>T on the coding strand, the complement: TACR3 is on the minus strand). VCF-style: chr4-103656307-G-A. GRCh37 (hg19) VCF-style: chr4-104577464-G-A.
Other names: short protein forms P259S.
Identifiers: ClinVar variation 393214 (VCV000393214.2), dbSNP rs1057524840, ClinGen allele CA16604652.
Genomic context (GRCh38, chr4:103,656,307, plus strand): 5'-TTTCTCCTCCCCAGAGAGTAATTCCAACAATGGTGTATGTAATACCCATGATGAGCAATG[G>A]GAAACAGTACACCAGTATAATGACGATAATATGGTAACTATGAAAAATAAGAAAAACACA-3'
Protein context (NP_001050.1, residues 249-269): IIVIILVYCF[Pro259Ser]LLIMGITYTI